The following is an entry in ClinVar:

ClinVar aggregate classification (germline): Pathogenic. Review status: criteria provided, multiple submitters, no conflicts (2 of 4 stars). 3 submissions from 3 submitters: Pathogenic (3). Last evaluated 2024-05-08.

Conditions:
Duchenne muscular dystrophy (DMD). Also called: MUSCULAR DYSTROPHY, PSEUDOHYPERTROPHIC PROGRESSIVE, DUCHENNE TYPE; Duchenne Muscular Dystrophy (DMD). Identifiers: Orphanet 98896, MedGen C0013264, MONDO:0010679, OMIM 310200.
Progressive muscular dystrophy. Identifiers: Orphanet 206644, MedGen C4551827, MONDO:0016106.

Submissions (4):

Myriad Genetics, Inc.
Classification: Pathogenic for Progressive muscular dystrophy. Last evaluated: 2024-05-08. Review status: criteria provided, single submitter. Criteria: Myriad Autosomal Dominant, Autosomal Recessive and X-Linked Classification Criteria (2023). Collection method: clinical testing. Allele origin: unknown.
Comment: NM_004006.2(DMD):c.6254G>A(W2085*) is expected to be pathogenic in the context of dystrophinopathy (including Duchenne/Becker muscular dystrophy). This variant is predicted to lead to an abnormal or absent protein product due to the creation of a premature termination codon in DMD, a gene where loss-of-function variants are known to be pathogenic. Please note: this variant was assessed in the context of healthy population screening.

Labcorp Genetics (formerly Invitae), Labcorp
Classification: Pathogenic for Duchenne muscular dystrophy. Last evaluated: 2020-03-19. Review status: criteria provided, single submitter. Criteria: Invitae Variant Classification Sherloc (09022015). Collection method: clinical testing. Allele origin: germline.
Comment: For these reasons, this variant has been classified as Pathogenic. Loss-of-function variants in DMD are known to be pathogenic (PMID: 16770791, 25007885). This sequence change creates a premature translational stop signal (p.Trp2085*) in the DMD gene. It is expected to result in an absent or disrupted protein product. This variant is not present in population databases (ExAC no frequency). This variant has not been reported in the literature in individuals with DMD-related conditions. Algorithms developed to predict the effect of sequence changes on RNA splicing suggest that this variant may create or strengthen a splice site, but this prediction has not been confirmed by published transcriptional studies.

Clinical Biomedical Laboratory, Shriners Hospital For Children - Canada
Classification: Pathogenic for Duchenne muscular dystrophy. Review status: criteria provided, single submitter. Criteria: ACMG Guidelines, 2015. Collection method: clinical testing. Allele origin: germline. Affected: yes.
Comment: This variant is expected to lead to degradation of the affected transcript and loss of function of the affected allele. Hemizygous loss of function variants in DMD are associated with Duchenne muscular dystrophy, which corresponds to the clinical diagnosis of the proband. This variant is absent from the Genome Aggregation Database (v2.1.1.), indicating it is very rare. Based on the ACMG variant interpretation guidelines (criteria: PVS1, PS3, PM2, PP4), the available evidence supports classification of this variant as pathogenic.

Dr. Peter K. Rogan Lab, Western University
No classification provided (evidence only). Condition: Squamous cell carcinoma of the head and neck. Review status: no classification provided. Collection method: in vitro. Allele origin: not applicable. Functional consequence: retained intron. Not counted in ClinVar's aggregate classification.

Literature cited by the submitters: PubMed 16770791 (cited by Labcorp Genetics (formerly Invitae), Labcorp); PubMed 25007885 (cited by Labcorp Genetics (formerly Invitae), Labcorp).

NM_004006.3(DMD):c.6254G>A (p.Trp2085Ter)

Gene: DMD (dystrophin; minus strand). Cytogenetic location: Xp21.1.
Variant type: single nucleotide variant.
Coding change: c.6254G>A on transcript NM_004006.3 (MANE Select); coding-DNA position 6254, G replaced by A.
Protein change: p.Trp2085Ter; replaces tryptophan 2085 with a stop codon.
Molecular consequence: nonsense.
Genome position (GRCh38, 1-based): chrX:32,287,565, C>T on the plus strand (G>A on the coding strand, the complement: DMD is on the minus strand). VCF-style: chrX-32287565-C-T. GRCh37 (hg19) VCF-style: chrX-32305682-C-T.
Other names: c.6230G>A, p.Trp2077Ter (NM_000109.4); c.6242G>A, p.Trp2081Ter (NM_004009.3); c.5885G>A, p.Trp1962Ter (NM_004010.3); c.2231G>A, p.Trp744Ter (NM_004011.4); c.2222G>A, p.Trp741Ter (NM_004012.4); short protein forms W1962*, W2077*, W2081*, W2085*, W741*, W744*.
Identifiers: ClinVar variation 1072763 (VCV001072763.10), dbSNP rs2148456690, ClinGen allele CA412665780.